The following is an entry in ClinVar:

ClinVar aggregate classification (germline): Uncertain significance (1 of 4 stars; one submission).

Allele frequency attached by ClinVar (database versions not stated): TOPMed 0.00001; gnomAD 0.00001.
gnomAD v4.1: 1 of 1,613,824 alleles (0.000062%); highest among the groups gnomAD compares: African/African-American, 0.0013%; no homozygotes.

Submission:

Labcorp Genetics (formerly Invitae), Labcorp
Classification: Uncertain significance. Last evaluated: 2023-04-24. Review status: criteria provided, single submitter. Criteria: Invitae Variant Classification Sherloc (09022015). Collection method: clinical testing. Allele origin: germline.
Comment: This variant has not been reported in the literature in individuals affected with TUBGCP6-related conditions. In summary, the available evidence is currently insufficient to determine the role of this variant in disease. Therefore, it has been classified as a Variant of Uncertain Significance. Algorithms developed to predict the effect of sequence changes on RNA splicing suggest that this variant may disrupt the consensus splice site. An algorithm developed to predict the effect of missense changes on protein structure and function (PolyPhen-2) suggests that this variant is likely to be disruptive. ClinVar contains an entry for this variant (Variation ID: 1476164). This variant is not present in population databases (gnomAD no frequency). This sequence change replaces cysteine, which is neutral and slightly polar, with phenylalanine, which is neutral and non-polar, at codon 296 of the TUBGCP6 protein (p.Cys296Phe).

NM_020461.4(TUBGCP6):c.887G>T (p.Cys296Phe)

Gene: TUBGCP6 (tubulin gamma complex component 6; minus strand). Cytogenetic location: 22q13.33.
Variant type: single nucleotide variant.
Coding change: c.887G>T on transcript NM_020461.4 (MANE Select); coding-DNA position 887, G replaced by T.
Protein change: p.Cys296Phe; replaces cysteine 296 with phenylalanine.
Molecular consequence: missense variant.
Genome position (GRCh38, 1-based): chr22:50,240,222, C>A on the plus strand (G>T on the coding strand, the complement: TUBGCP6 is on the minus strand). VCF-style: chr22-50240222-C-A. GRCh37 (hg19) VCF-style: chr22-50678651-C-A.
Other names: short protein forms C296F.
Identifiers: ClinVar variation 1476164 (VCV001476164.6), dbSNP rs1364541840, ClinGen allele CA412111934.